The following is an entry in ClinVar:

ClinVar aggregate classification (germline): Uncertain significance (1 of 4 stars; one submission).

Conditions:
CCDC141-related disorder. Also called: CCDC141-related condition.

Allele frequency attached by ClinVar (database versions not stated): gnomAD exomes below 0.00001; TOPMed below 0.00001; gnomAD 0.00001.
gnomAD v4.1: 2 of 1,550,648 alleles (0.00013%); highest among the groups gnomAD compares: South Asian, 0.0024%; no homozygotes.

Submission:

PreventionGenetics, part of Exact Sciences
Classification: Uncertain significance for CCDC141-related condition. Last evaluated: 2023-06-21. Review status: criteria provided, single submitter. Criteria: ACMG Guidelines, 2015. Collection method: clinical testing. Allele origin: germline.
Comment: The CCDC141 c.46G>A variant is predicted to result in the amino acid substitution p.Val16Ile. To our knowledge, this variant has not been reported in the literature or in a large population database, indicating this variant is rare. At this time, the clinical significance of this variant is uncertain due to the absence of conclusive functional and genetic evidence.

NM_173648.4(CCDC141):c.46G>A (p.Val16Ile)

Genes: CCDC141 (coiled-coil domain containing 141; minus strand), LOC129935191 (ATAC-STARR-seq lymphoblastoid active region 16816; plus strand). Cytogenetic location: 2q31.2.
Variant type: single nucleotide variant.
Coding change: c.46G>A on transcript NM_173648.4 (MANE Select); coding-DNA position 46, G replaced by A.
Protein change: p.Val16Ile; replaces valine 16 with isoleucine.
Molecular consequence: missense variant.
Genome position (GRCh38, 1-based): chr2:179,049,896, C>T on the plus strand (G>A on the coding strand, the complement: CCDC141 is on the minus strand). VCF-style: chr2-179049896-C-T. GRCh37 (hg19) VCF-style: chr2-179914623-C-T.
Other names: c.46G>A, p.Val16Ile (NM_001316745.2); short protein forms V16I.
Identifiers: ClinVar variation 2632399 (VCV002632399.1), dbSNP rs2043623829, ClinGen allele CA349446901.